The following is an entry in ClinVar:

NM_001734.5(C1S):c.176T>C (p.Ile59Thr)

Gene: C1S (complement C1s; plus strand). Cytogenetic location: 12p13.31.
Variant type: single nucleotide variant.
Coding change: c.176T>C on transcript NM_001734.5 (MANE Select); coding-DNA position 176, T replaced by C.
Protein change: p.Ile59Thr; replaces isoleucine 59 with threonine.
Molecular consequence: missense variant. On other transcripts: intron variant (1).
Genome position (GRCh38, 1-based): chr12:7,062,645, T>C. VCF-style: chr12-7062645-T-C. GRCh37 (hg19) VCF-style: chr12-7169949-T-C.
Other names: c.176T>C, p.Ile59Thr (NM_201442.4); c.-288-245T>C (NM_001346850.2); short protein forms I59T.
Identifiers: ClinVar variation 3003284 (VCV003003284.3), dbSNP rs781834878, ClinGen allele CA6423323.

ClinVar aggregate classification (germline): Uncertain significance (1 of 4 stars; one submission).

Allele frequency attached by ClinVar (database versions not stated): gnomAD exomes 0.00001; ExAC 0.00005.

Submission:

Labcorp Genetics (formerly Invitae), Labcorp
Classification: Uncertain significance. Last evaluated: 2023-10-05. Review status: criteria provided, single submitter. Criteria: Invitae Variant Classification Sherloc (09022015). Collection method: clinical testing. Allele origin: germline.
Comment: This sequence change replaces isoleucine, which is neutral and non-polar, with threonine, which is neutral and polar, at codon 59 of the C1S protein (p.Ile59Thr). This variant is present in population databases (rs781834878, gnomAD 0.03%). This variant has not been reported in the literature in individuals affected with C1S-related conditions. Advanced modeling of protein sequence and biophysical properties (such as structural, functional, and spatial information, amino acid conservation, physicochemical variation, residue mobility, and thermodynamic stability) performed at Invitae indicates that this missense variant is expected to disrupt C1S protein function. In summary, the available evidence is currently insufficient to determine the role of this variant in disease. Therefore, it has been classified as a Variant of Uncertain Significance.